The following is an entry in ClinVar:

NM_006073.4(TRDN):c.601C>G (p.Leu201Val)

Gene: TRDN (triadin; minus strand). Cytogenetic location: 6q22.31.
Variant type: single nucleotide variant.
Coding change: c.601C>G on transcript NM_006073.4 (MANE Select); coding-DNA position 601, C replaced by G.
Protein change: p.Leu201Val; replaces leucine 201 with valine.
Molecular consequence: missense variant.
Genome position (GRCh38, 1-based): chr6:123,512,312, G>C on the plus strand (C>G on the coding strand, the complement: TRDN is on the minus strand). VCF-style: chr6-123512312-G-C. GRCh37 (hg19) VCF-style: chr6-123833457-G-C.
Other names: c.601C>G, p.Leu201Val (NM_001251987.2, NM_001256020.2, NM_001256021.2); short protein forms L201V.
Identifiers: ClinVar variation 227123 (VCV000227123.30), dbSNP rs6902416, ClinGen allele CA3984332.

ClinVar aggregate classification (germline): Benign. Review status: criteria provided, multiple submitters, no conflicts (2 of 4 stars). 12 submissions from 12 submitters: Benign (10). 2 of the submissions do not count toward it. Last evaluated 2026-02-04.

Conditions:
Cardiovascular phenotype. Identifiers: MedGen CN230736.
Catecholaminergic polymorphic ventricular tachycardia 5 (CARDAR). Also called: Ventricular tachycardia, catecholaminergic polymorphic, 5, with or without muscle weakness; CARDIAC ARRHYTHMIA SYNDROME, WITH OR WITHOUT SKELETAL MUSCLE WEAKNESS. Identifiers: Orphanet 3286, MedGen C3809536, MONDO:0014191, OMIM 615441.
Catecholaminergic polymorphic ventricular tachycardia 1. Also called: VENTRICULAR TACHYCARDIA, STRESS-INDUCED POLYMORPHIC 1; VENTRICULAR TACHYCARDIA, CATECHOLAMINERGIC POLYMORPHIC, 1, WITH OR WITHOUT ATRIAL DYSFUNCTION AND/OR DILATED CARDIOMYOPATHY; RYR2-Related Catecholaminergic Polymorphic Ventricular Tachycardia. Identifiers: Orphanet 3286, MedGen C1631597, MONDO:0011484, OMIM 604772.

Allele frequency attached by ClinVar (database versions not stated): ExAC 0.82588; 1000 Genomes Project 30x 0.83838; ESP Exome Variant Server 0.84245; 1000 Genomes Project 0.84325; TOPMed 0.84450; gnomAD exomes 0.84463 and 0.86121; gnomAD 0.84721 and 0.84756.
gnomAD v4.1: 1,268,056 of 1,475,352 alleles (86%); highest among the groups gnomAD compares: East Asian, 89%; 546,877 homozygotes.

Submissions (12):

Labcorp Genetics (formerly Invitae), Labcorp
Classification: Benign for Catecholaminergic polymorphic ventricular tachycardia 1. Last evaluated: 2026-02-04. Review status: criteria provided, single submitter. Criteria: Invitae Variant Classification Sherloc (09022015). Collection method: clinical testing. Allele origin: germline.

Molecular Diagnostic Laboratory for Inherited Cardiovascular Disease, Montreal Heart Institute
Classification: Benign. Last evaluated: 2025-04-09. Review status: criteria provided, single submitter. Criteria: ACMG Guidelines, 2015. Collection method: clinical testing. Allele origin: germline. Affected: no.

Blueprint Genetics
Classification: Benign. Last evaluated: 2024-11-27. Review status: criteria provided, single submitter. Criteria: ACMG Guidelines, 2015. Collection method: clinical testing. Allele origin: germline.

Mayo Clinic Laboratories, Mayo Clinic
Classification: Benign. Last evaluated: 2022-04-26. Review status: criteria provided, single submitter. Criteria: ACMG Guidelines, 2015. Collection method: clinical testing. Allele origin: germline. Observed: 810 variant alleles.

Genome-Nilou Lab
Classification: Benign for Catecholaminergic polymorphic ventricular tachycardia 5. Last evaluated: 2021-09-10. Review status: criteria provided, single submitter. Criteria: ACMG Guidelines, 2015. Collection method: clinical testing. Allele origin: germline. Affected: no.

Women's Health and Genetics/Laboratory Corporation of America, LabCorp
Classification: Benign. Last evaluated: 2021-07-08. Review status: criteria provided, single submitter. Criteria: LabCorp Variant Classification Summary - May 2015. Collection method: clinical testing. Allele origin: germline.

GeneDx
Classification: Benign. Last evaluated: 2016-09-21. Review status: criteria provided, single submitter. Criteria: GeneDx Variant Classification (06012015). Collection method: clinical testing. Allele origin: germline. Affected: yes.
Comment: This variant is considered likely benign or benign based on one or more of the following criteria: it is a conservative change, it occurs at a poorly conserved position in the protein, it is predicted to be benign by multiple in silico algorithms, and/or has population frequency not consistent with disease.

Ambry Genetics
Classification: Benign for Cardiovascular phenotype. Last evaluated: 2015-03-09. Review status: criteria provided, single submitter. Criteria: Ambry Variant Classification Scheme 2023. Collection method: clinical testing. Allele origin: germline.

Laboratory for Molecular Medicine, Mass General Brigham Personalized Medicine
Classification: Benign. Last evaluated: 2014-11-24. Review status: criteria provided, single submitter. Criteria: LMM Criteria. Collection method: clinical testing. Allele origin: germline. Observed: 570 variant alleles.
Comment: Leu201Val in exon 7 of TRDN: This variant is not expected to have clinical signi ficance because it has been identified in 20.1% (710/3538) of African American c hromosomes from a broad population by the NHLBI Exome Sequencing Project (dbSNP rs6902416).

PreventionGenetics, part of Exact Sciences
Classification: Benign. Review status: criteria provided, single submitter. Criteria: ACMG Guidelines, 2015. Collection method: clinical testing. Allele origin: germline.

Clinical Genetics, Academic Medical Center
Classification: Benign. Review status: no assertion criteria provided. Collection method: clinical testing. Allele origin: germline. Affected: yes. Study: VKGL Data-share Consensus. Not counted in ClinVar's aggregate classification.

Diagnostic Laboratory, Department of Genetics, University Medical Center Groningen
Classification: Benign. Review status: no assertion criteria provided. Collection method: clinical testing. Allele origin: germline. Affected: yes. Study: VKGL Data-share Consensus. Not counted in ClinVar's aggregate classification.